The following is an entry in ClinVar:

NM_000512.5(GALNS):c.1140-1G>A

Gene: GALNS (galactosamine (N-acetyl)-6-sulfatase; minus strand). Cytogenetic location: 16q24.3.
Variant type: single nucleotide variant.
Coding change: c.1140-1G>A on transcript NM_000512.5 (MANE Select); the canonical splice acceptor site of the intron before coding-DNA position 1140, G replaced by A.
Molecular consequence: splice acceptor variant.
Genome position (GRCh38, 1-based): chr16:88,824,870, C>T on the plus strand (G>A on the coding strand, the complement: GALNS is on the minus strand). VCF-style: chr16-88824870-C-T. GRCh37 (hg19) VCF-style: chr16-88891278-C-T.
Other names: c.585-1G>A (NM_001323543.2); c.1158-1G>A (NM_001323544.2).
Identifiers: ClinVar variation 3645660 (VCV003645660.2).
Genomic context (GRCh38, chr16:88,824,870, plus strand): 5'-GCCTTGTGCTGCCCGAGGGTGGCCGCCATCAGCGTGTCGCCACGGTAATAGAAGATAGGC[C>T]TGTGGGATGGGAGGGGAGGACCATGTAATGACAGGAAGGACACGCTGGGGCCACCTGGAG-3'

ClinVar aggregate classification (germline): Likely pathogenic (1 of 4 stars; one submission).

Conditions:
Mucopolysaccharidosis, MPS-IV-A (MPS4A). Also called: Morquio syndrome A, mild; MORQUIO SYNDROME A; GALACTOSAMINE-6-SULFATASE DEFICIENCY; GALNS DEFICIENCY; MORQUIO A DISEASE; Mucopolysaccharidosis type IV A. Identifiers: Orphanet 309297, Orphanet 582, MedGen C0086651, MONDO:0009659, OMIM 253000.

Submission:

Labcorp Genetics (formerly Invitae), Labcorp
Classification: Likely pathogenic for Mucopolysaccharidosis, MPS-IV-A. Last evaluated: 2024-03-13. Review status: criteria provided, single submitter. Criteria: Invitae Variant Classification Sherloc (09022015). Collection method: clinical testing. Allele origin: germline.
Comment: This sequence change affects an acceptor splice site in intron 10 of the GALNS gene. It is expected to disrupt RNA splicing. Variants that disrupt the donor or acceptor splice site typically lead to a loss of protein function (PMID: 16199547), and loss-of-function variants in GALNS are known to be pathogenic (PMID: 12442278). This variant is not present in population databases (gnomAD no frequency). This variant has not been reported in the literature in individuals affected with GALNS-related conditions. Algorithms developed to predict the effect of sequence changes on RNA splicing suggest that this variant may disrupt the consensus splice site. In summary, the currently available evidence indicates that the variant is pathogenic, but additional data are needed to prove that conclusively. Therefore, this variant has been classified as Likely Pathogenic.

Literature cited by the submitters: PubMed 16199547; PubMed 12442278.